The following is an entry in ClinVar:

NM_021942.6(TRAPPC11):c.3104A>T (p.His1035Leu)

Gene: TRAPPC11 (trafficking protein particle complex subunit 11; plus strand). Cytogenetic location: 4q35.1.
Variant type: single nucleotide variant.
Coding change: c.3104A>T on transcript NM_021942.6 (MANE Select); coding-DNA position 3104, A replaced by T.
Protein change: p.His1035Leu; replaces histidine 1035 with leucine.
Molecular consequence: missense variant.
Genome position (GRCh38, 1-based): chr4:183,706,855, A>T. VCF-style: chr4-183706855-A-T. GRCh37 (hg19) VCF-style: chr4-184628008-A-T.
Other names: c.3104A>T (NM_021942.5); c.3104A>T, p.His1035Leu (NM_199053.3); short protein forms H1035L.
Identifiers: ClinVar variation 1371556 (VCV001371556.7), dbSNP rs762555782, ClinGen allele CA111869178.
Genomic context (GRCh38, chr4:183,706,855, plus strand): 5'-CTTTCTCTGTAGATCTGCCGTCATTTGGGCGTGTCAGAGAGTCGTTACCTGTCAAGTATC[A>T]CCTACAGAATAAGACCGACTTAGTTCAAGATGTAGAAATTTCTGTGGAGCCCAGTGATGC-3'
Protein context (NP_068761.4, residues 1025-1045): RVRESLPVKY[His1035Leu]LQNKTDLVQD

ClinVar aggregate classification (germline): Uncertain significance. Review status: criteria provided, multiple submitters, no conflicts (2 of 4 stars). 3 submissions from 3 submitters: Uncertain significance (3). Last evaluated 2026-01-29.

Conditions:
Autosomal recessive limb-girdle muscular dystrophy type R18 (LGMDR18). Also called: Limb-girdle muscular dystrophy, type 2S; MUSCULAR DYSTROPHY, LIMB-GIRDLE, AUTOSOMAL RECESSIVE 18; Autosomal recessive limb-girdle muscular dystrophy type 2S. Identifiers: Orphanet 369840, MedGen C4517996, MONDO:0014144, OMIM 615356.

gnomAD v4.1: 9 of 1,613,986 alleles (0.00056%); highest among the groups gnomAD compares: African/African-American, 0.0013%; no homozygotes.

Submissions (3):

GeneDx
Classification: Uncertain significance. Last evaluated: 2026-01-29. Review status: criteria provided, single submitter. Criteria: GeneDx Variant Classification Process June 2021. Collection method: clinical testing. Allele origin: germline.
Comment: Not observed at significant frequency in large population cohorts (gnomAD); In silico analysis suggests that this missense variant does not alter protein structure/function; Has not been previously published as pathogenic or benign to our knowledge

Labcorp Genetics (formerly Invitae), Labcorp
Classification: Uncertain significance for Autosomal recessive limb-girdle muscular dystrophy type R18. Last evaluated: 2022-07-06. Review status: criteria provided, single submitter. Criteria: Invitae Variant Classification Sherloc (09022015). Collection method: clinical testing. Allele origin: germline.
Comment: In summary, the available evidence is currently insufficient to determine the role of this variant in disease. Therefore, it has been classified as a Variant of Uncertain Significance. Algorithms developed to predict the effect of missense changes on protein structure and function (SIFT, PolyPhen-2, Align-GVGD) all suggest that this variant is likely to be tolerated. ClinVar contains an entry for this variant (Variation ID: 1371556). This variant has not been reported in the literature in individuals affected with TRAPPC11-related conditions. This variant is not present in population databases (gnomAD no frequency). This sequence change replaces histidine, which is basic and polar, with leucine, which is neutral and non-polar, at codon 1035 of the TRAPPC11 protein (p.His1035Leu).

Revvity Omics, Revvity
Classification: Uncertain significance for Autosomal recessive limb-girdle muscular dystrophy type R18. Last evaluated: 2020-04-03. Review status: criteria provided, single submitter. Criteria: ACMG Guidelines, 2015. Collection method: clinical testing. Allele origin: germline.